The following is an entry in ClinVar:

NM_203447.4(DOCK8):c.5580G>A (p.Lys1860=)

Gene: DOCK8 (dedicator of cytokinesis 8; plus strand). Cytogenetic location: 9p24.3.
Variant type: single nucleotide variant.
Coding change: c.5580G>A on transcript NM_203447.4 (MANE Select); coding-DNA position 5580, G replaced by A.
Protein change: p.Lys1860=; no amino-acid change (lysine 1860 retained).
Molecular consequence: synonymous variant.
Genome position (GRCh38, 1-based): chr9:443,516, G>A. VCF-style: chr9-443516-G-A. GRCh37 (hg19) VCF-style: chr9-443516-G-A.
Other names: c.5280G>A, p.Lys1760= (NM_001190458.2); c.5376G>A, p.Lys1792= (NM_001193536.2).
Identifiers: ClinVar variation 2092834 (VCV002092834.4), dbSNP rs2537448913, ClinGen allele CA463700124.
Genomic context (GRCh38, chr9:443,516, plus strand): 5'-ATTTGTGGAAGTGATTAAAGACTCCACTCCTGTGGACAAAACCAAGTTGGATCCTAACAA[G>A]GTATACAAAAATTTACAAAAACTAACCATCAAGCTCTAAATCCCTTCGTTCTCTACCCAA-3'
Protein context (NP_982272.2, residues 1850-1870): PVDKTKLDPN[Lys1860=]AYIQITFVEP

ClinVar aggregate classification (germline): Uncertain significance (1 of 4 stars; one submission).

Conditions:
Combined immunodeficiency due to DOCK8 deficiency (HIES2). Also called: HIES autosomal recessive; Hyper-IgE recurrent infection syndrome, autosomal recessive; HYPER-IgE SYNDROME 2, AUTOSOMAL RECESSIVE, WITH RECURRENT INFECTIONS; HYPER-IgE RECURRENT INFECTION SYNDROME 2, AUTOSOMAL RECESSIVE; DOCK8 Deficiency. Identifiers: Orphanet 217390, MedGen C4722305, MONDO:0009478, OMIM 243700.

Submission:

Labcorp Genetics (formerly Invitae), Labcorp
Classification: Uncertain significance for Combined immunodeficiency due to DOCK8 deficiency. Last evaluated: 2022-02-19. Review status: criteria provided, single submitter. Criteria: Invitae Variant Classification Sherloc (09022015). Collection method: clinical testing. Allele origin: germline.
Comment: This sequence change affects codon 1860 of the DOCK8 mRNA. It is a 'silent' change, meaning that it does not change the encoded amino acid sequence of the DOCK8 protein. This variant also falls at the last nucleotide of exon 43, which is part of the consensus splice site for this exon. This variant is not present in population databases (gnomAD no frequency). This variant has not been reported in the literature in individuals affected with DOCK8-related conditions. Variants that disrupt the consensus splice site are a relatively common cause of aberrant splicing (PMID: 17576681, 9536098). Algorithms developed to predict the effect of sequence changes on RNA splicing suggest that this variant may disrupt the consensus splice site. In summary, the available evidence is currently insufficient to determine the role of this variant in disease. Therefore, it has been classified as a Variant of Uncertain Significance.

Literature cited by the submitters: PubMed 17576681; PubMed 9536098.